The following is an entry in ClinVar:

NM_001330078.2(NRXN1):c.3546+115T>A

Gene: NRXN1 (neurexin 1; minus strand). Cytogenetic location: 2p16.3.
Variant type: single nucleotide variant.
Coding change: c.3546+115T>A on transcript NM_001330078.2 (MANE Select); 115 bases into the intron after coding-DNA position 3546, T replaced by A.
Molecular consequence: intron variant.
Genome position (GRCh38, 1-based): chr2:50,236,674, A>T on the plus strand (T>A on the coding strand, the complement: NRXN1 is on the minus strand). VCF-style: chr2-50236674-A-T. GRCh37 (hg19) VCF-style: chr2-50463812-A-T.
Other names: c.3435+115T>A (NM_001330096.2, NM_001330087.2); c.3480+115T>A (NM_001330083.2, NM_001330084.2); c.3465+115T>A (NM_001330088.2); c.3543+115T>A (NM_001330093.2); c.3534+115T>A (NM_001330094.2); c.3495+115T>A (NM_001330095.2); c.3522+115T>A (NM_001330082.2, NM_001330077.2); c.3519+115T>A (NM_001330085.2); and 3 more.
Identifiers: ClinVar variation 677518 (VCV000677518.2), dbSNP rs115505509, ClinGen allele CA47885150.

ClinVar aggregate classification (germline): Likely benign. Review status: criteria provided, multiple submitters, no conflicts (2 of 4 stars). 2 submissions from 2 submitters: Likely benign (2). Last evaluated 2018-06-19.

Allele frequency attached by ClinVar (database versions not stated): 1000 Genomes Project 30x 0.00921; 1000 Genomes Project 0.00958; gnomAD 0.01021 and 0.01099; TOPMed 0.01196.
gnomAD v4.1: 2,494 of 885,606 alleles (0.28%); highest among the groups gnomAD compares: African/African-American, 3.5%; 44 homozygotes.

Submissions (2):

GeneDx
Classification: Likely benign. Last evaluated: 2018-06-19. Review status: criteria provided, single submitter. Criteria: GeneDx Variant Classification (06012015). Collection method: clinical testing. Allele origin: germline. Affected: yes.
Comment: This variant is considered likely benign or benign based on one or more of the following criteria: it is a conservative change, it occurs at a poorly conserved position in the protein, it is predicted to be benign by multiple in silico algorithms, and/or has population frequency not consistent with disease.

Breakthrough Genomics
Classification: Likely benign. Review status: criteria provided, single submitter. Criteria: ACMG Guidelines, 2015. Collection method: not provided. Allele origin: germline. Inheritance: Autosomal recessive inheritance. Affected: yes.